The following is an entry in ClinVar:

ClinVar aggregate classification (germline): Uncertain significance (1 of 4 stars; one submission).

Submission:

GeneDx
Classification: Uncertain significance. Last evaluated: 2019-06-15. Review status: criteria provided, single submitter. Criteria: GeneDx Variant Classification Process June 2021. Collection method: clinical testing. Allele origin: germline. Affected: yes.
Comment: Not observed in large population cohorts (Lek et al., 2016); In silico analysis, which includes protein predictors and evolutionary conservation, supports a deleterious effect; Has not been previously published as pathogenic or benign to our knowledge

NM_021098.3(CACNA1H):c.2573A>T (p.Asn858Ile)

Gene: CACNA1H (calcium voltage-gated channel subunit alpha1 H; plus strand). Cytogenetic location: 16p13.3.
Variant type: single nucleotide variant.
Coding change: c.2573A>T on transcript NM_021098.3 (MANE Select); coding-DNA position 2573, A replaced by T.
Protein change: p.Asn858Ile; replaces asparagine 858 with isoleucine.
Molecular consequence: missense variant.
Genome position (GRCh38, 1-based): chr16:1,205,235, A>T. VCF-style: chr16-1205235-A-T. GRCh37 (hg19) VCF-style: chr16-1255235-A-T.
Other names: c.2573A>T, p.Asn858Ile (NM_001005407.2); short protein forms N858I.
Identifiers: ClinVar variation 1317175 (VCV001317175.2), dbSNP rs1387448449, ClinGen allele CA394167624.